The following is an entry in ClinVar:

NM_004006.3(DMD):c.7363G>C (p.Ala2455Pro)

Gene: DMD (dystrophin; minus strand). Cytogenetic location: Xp21.1.
Variant type: single nucleotide variant.
Coding change: c.7363G>C on transcript NM_004006.3 (MANE Select); coding-DNA position 7363, G replaced by C.
Protein change: p.Ala2455Pro; replaces alanine 2455 with proline.
Molecular consequence: missense variant. On other transcripts: 5 prime UTR variant (5).
Genome position (GRCh38, 1-based): chrX:31,774,139, C>G on the plus strand (G>C on the coding strand, the complement: DMD is on the minus strand). VCF-style: chrX-31774139-C-G. GRCh37 (hg19) VCF-style: chrX-31792256-C-G.
Other names: c.7339G>C, p.Ala2447Pro (NM_000109.4); c.7351G>C, p.Ala2451Pro (NM_004009.3); c.6994G>C, p.Ala2332Pro (NM_004010.3); c.3340G>C, p.Ala1114Pro (NM_004011.4); c.3331G>C, p.Ala1111Pro (NM_004012.4); c.-18G>C (NM_004013.3, NM_004020.4, NM_004021.3 and 2 more transcripts); short protein forms A1111P, A2332P, A1114P, A2447P, A2451P, A2455P.
Identifiers: ClinVar variation 644473 (VCV000644473.12), dbSNP rs1603464017, ClinGen allele CA412659092.

ClinVar aggregate classification (germline): Conflicting classifications of pathogenicity. Review status: criteria provided, conflicting classifications (1 of 4 stars). 2 submissions from 2 submitters: Uncertain significance (1); Likely benign (1). Last evaluated 2025-10-22.

Conditions:
Duchenne muscular dystrophy (DMD). Also called: MUSCULAR DYSTROPHY, PSEUDOHYPERTROPHIC PROGRESSIVE, DUCHENNE TYPE; Duchenne Muscular Dystrophy (DMD). Identifiers: Orphanet 98896, MedGen C0013264, MONDO:0010679, OMIM 310200.

Allele frequency attached by ClinVar (database versions not stated): gnomAD exomes below 0.00001.
gnomAD v4.1: 2 of 1,210,579 alleles (0.00017%); highest among the groups gnomAD compares: Non-Finnish European, 0.00022%; no homozygotes.

Submissions (2):

Labcorp Genetics (formerly Invitae), Labcorp
Classification: Uncertain significance for Duchenne muscular dystrophy. Last evaluated: 2025-10-22. Review status: criteria provided, single submitter. Criteria: Invitae Variant Classification Sherloc (09022015). Collection method: clinical testing. Allele origin: germline.
Comment: This sequence change replaces alanine, which is neutral and non-polar, with proline, which is neutral and non-polar, at codon 2455 of the DMD protein (p.Ala2455Pro). This variant is not present in population databases (gnomAD no frequency). This variant has not been reported in the literature in individuals affected with DMD-related conditions. ClinVar contains an entry for this variant (Variation ID: 644473). Invitae Evidence Modeling of protein sequence and biophysical properties (such as structural, functional, and spatial information, amino acid conservation, physicochemical variation, residue mobility, and thermodynamic stability) indicates that this missense variant is not expected to disrupt DMD protein function with a negative predictive value of 95%. In summary, the available evidence is currently insufficient to determine the role of this variant in disease. Therefore, it has been classified as a Variant of Uncertain Significance.

GeneDx
Classification: Likely benign. Last evaluated: 2021-05-18. Review status: criteria provided, single submitter. Criteria: GeneDx Variant Classification Process June 2021. Collection method: clinical testing. Allele origin: germline. Affected: yes.